The following is an entry in ClinVar:

NM_000350.3(ABCA4):c.5481del (p.Val1828fs)

Gene: ABCA4 (ATP binding cassette subfamily A member 4; minus strand). Cytogenetic location: 1p22.1.
Variant type: Deletion.
Coding change: c.5481del on transcript NM_000350.3 (MANE Select); coding-DNA position 5481, one base deleted (C; older notation c.5481delC).
Protein change: p.Val1828fs; shifts the reading frame from valine 1828.
Molecular consequence: frameshift variant.
Genome position (GRCh38, 1-based): chr1:94,011,365, G deleted on the plus strand (C on the coding strand, the reverse complement: ABCA4 is on the minus strand); the first of 2 consecutive G bases (chr1:94,011,365-94,011,366); deleting either gives the same sequence. VCF-style (leftmost placement, unchanged base first): chr1-94011364-CG-C. GRCh37 (hg19) VCF-style: chr1-94476920-CG-C.
Other names: c.5259del, p.Val1754fs (NM_001425324.1); short protein forms V1754fs, V1828fs.
Identifiers: ClinVar variation 3776189 (VCV003776189.1).
Genomic context (GRCh38, chr1:94,011,364, plus strand): 5'-GGTCAATGAGGCCCCGGCCCAGGCAGAAGTGGGGGAAGACAATGAGCAGCTTCCTCAGCA[CG>C]GCGTTGAACCTGAGCAGCGTCTGAAACAGAGAAGTAGGACTGTTGGAAACGGGGCAAACC-3'

ClinVar aggregate classification (germline): Pathogenic (1 of 4 stars; one submission).

Conditions:
Retinitis pigmentosa 19 (RP19). Also called: ABCA4-Related Retinitis Pigmentosa. Identifiers: Orphanet 791, MedGen C1866422, MONDO:0011137, OMIM 601718.

Submission:

3billion
Classification: Pathogenic for Retinitis pigmentosa 19. Last evaluated: 2023-12-21. Review status: criteria provided, single submitter. Criteria: ACMG Guidelines, 2015. Collection method: clinical testing. Allele origin: germline. Affected: yes.
Comment: The variant is not observed in the gnomAD v2.1.1 dataset. Predicted Consequence/Location: Frameshift: predicted to result in a loss or disruption of normal protein function through nonsense-mediated decay (NMD) or protein truncation. Multiple pathogenic variants are reported downstream of the variant. The variant has been reported to be associated with ABCA4 related disorder (3billion dataset). Therefore, this variant is classified as Pathogenic according to the recommendation of ACMG/AMP guideline.